The following is an entry in ClinVar:

NM_003630.3(PEX3):c.295A>G (p.Asn99Asp)

Gene: PEX3 (peroxisomal biogenesis factor 3; plus strand). Cytogenetic location: 6q24.2.
Variant type: single nucleotide variant.
Coding change: c.295A>G on transcript NM_003630.3 (MANE Select); coding-DNA position 295, A replaced by G.
Protein change: p.Asn99Asp; replaces asparagine 99 with aspartic acid.
Molecular consequence: missense variant.
Genome position (GRCh38, 1-based): chr6:143,468,129, A>G. VCF-style: chr6-143468129-A-G. GRCh37 (hg19) VCF-style: chr6-143789266-A-G.
Other names: short protein forms N99D.
Identifiers: ClinVar variation 1363838 (VCV001363838.8), dbSNP rs1459736299, ClinGen allele CA365908963.

ClinVar aggregate classification (germline): Uncertain significance (1 of 4 stars; one submission).

Allele frequency attached by ClinVar (database versions not stated): gnomAD exomes below 0.00001; TOPMed below 0.00001.
gnomAD v4.1: 3 of 1,569,626 alleles (0.00019%); highest among the groups gnomAD compares: Non-Finnish European, 0.00026%; no homozygotes.

Submission:

Labcorp Genetics (formerly Invitae), Labcorp
Classification: Uncertain significance. Last evaluated: 2021-05-16. Review status: criteria provided, single submitter. Criteria: Invitae Variant Classification Sherloc (09022015). Collection method: clinical testing. Allele origin: germline.
Comment: In summary, the available evidence is currently insufficient to determine the role of this variant in disease. Therefore, it has been classified as a Variant of Uncertain Significance. Algorithms developed to predict the effect of sequence changes on RNA splicing suggest that this variant may create or strengthen a splice site, but this prediction has not been confirmed by published transcriptional studies. Algorithms developed to predict the effect of missense changes on protein structure and function (SIFT, PolyPhen-2, Align-GVGD) all suggest that this variant is likely to be tolerated, but these predictions have not been confirmed by published functional studies and their clinical significance is uncertain. This variant has not been reported in the literature in individuals with PEX3-related conditions. This variant is not present in population databases (ExAC no frequency). This sequence change replaces asparagine with aspartic acid at codon 99 of the PEX3 protein (p.Asn99Asp). The asparagine residue is highly conserved and there is a small physicochemical difference between asparagine and aspartic acid.